The following is an entry in ClinVar:

ClinVar aggregate classification (germline): Conflicting classifications of pathogenicity. Review status: criteria provided, conflicting classifications (1 of 4 stars). 10 submissions from 10 submitters: Uncertain significance (2); Benign (1); Likely benign (6). 1 of the submissions does not count toward it. Last evaluated 2026-07-01.

Conditions:
Cerebroretinal microangiopathy with calcifications and cysts 1 (CRMCC1). Identifiers: Orphanet 313838, MedGen C4552029, MONDO:0024564, OMIM 612199.
Dyskeratosis congenita. Identifiers: Orphanet 1775, MedGen C0265965, MONDO:0015780.
CTC1-related disorder. Also called: CTC1-related condition.

Allele frequency attached by ClinVar (database versions not stated): 1000 Genomes Project 0.00080; gnomAD 0.00083; 1000 Genomes Project 30x 0.00109; ESP Exome Variant Server 0.00130; TOPMed 0.00147.
gnomAD v4.1: 2,934 of 1,574,920 alleles (0.19%); highest among the groups gnomAD compares: Non-Finnish European, 0.23%; 6 homozygotes.

Submissions (13):

CeGaT Center for Human Genetics Tuebingen
Classification: Likely benign. Last evaluated: 2026-07-01. Review status: criteria provided, single submitter. Criteria: CeGaT Center For Human Genetics Tuebingen Variant Classification Criteria Version 2. Collection method: clinical testing. Allele origin: germline. Affected: yes. Observed: 10 variant alleles.
Comment: CTC1: BP4, BP7

Labcorp Genetics (formerly Invitae), Labcorp
Classification: Benign for Dyskeratosis congenita. Last evaluated: 2026-02-02. Review status: criteria provided, single submitter. Criteria: Invitae Variant Classification Sherloc (09022015). Collection method: clinical testing. Allele origin: germline.

Mayo Clinic Laboratories, Mayo Clinic
Classification: Likely benign. Last evaluated: 2025-10-22. Review status: criteria provided, single submitter. Criteria: ACMG Guidelines, 2015. Collection method: clinical testing. Allele origin: germline. Observed: 3 variant alleles.
Comment: BP4, BP7

Blueprint Genetics
Classification: Likely benign. Last evaluated: 2024-10-23. Review status: criteria provided, single submitter. Criteria: ACMG Guidelines, 2015. Collection method: clinical testing. Allele origin: germline.

Sema4
Classification: Uncertain significance for Dyskeratosis congenita. Last evaluated: 2022-02-24. Review status: criteria provided, single submitter. Criteria: Sema4 Curation Guidelines. Collection method: curation. Allele origin: germline.
Comment: The CTC1 c.1728G>A (p.P576=) variant has not been reported in the literature to our knowledge. It was observed in 199/94454 chromosomes of the European (non-Finnish) subpopulation, with no homozygotes, in the large and broad cohorts of the Genome Aggregation Database (PMID: 32461654) and has been reported in ClinVar (Variation ID 326079). In silico tools suggest the variant creates a cryptic acceptor splice site, though these predictions have not been confirmed by functional studies. The evidence is insufficient to meet ACMG/AMP criteria for classifying the variant as benign or pathogenic. Thus, the clinical significance of this variant is currently uncertain.

Genome-Nilou Lab
Classification: Likely benign for Cerebroretinal microangiopathy with calcifications and cysts 1. Last evaluated: 2021-07-15. Review status: criteria provided, single submitter. Criteria: ACMG Guidelines, 2015. Collection method: clinical testing. Allele origin: germline. Affected: no.

GeneDx
Classification: Uncertain significance. Last evaluated: 2019-04-18. Review status: criteria provided, single submitter. Criteria: GeneDx Variant Classification Process June 2021. Collection method: clinical testing. Allele origin: germline. Affected: yes.
Comment: Has not been previously published as pathogenic or benign to our knowledge; Reported in ClinVar with conflicting classifications but additional evidence is not available (SCV000407609.2, SCV000594247.1, SCV000755838.1; Landrum et al., 2016); In silico analysis, which includes splice predictors and evolutionary conservation, suggests this variant may impact gene splicing. In the absence of RNA/functional studies, the actual effect of this sequence change is unknown.

Illumina Laboratory Services, Illumina
Classification: Likely benign for Dyskeratosis congenita. Last evaluated: 2018-01-13. Review status: criteria provided, single submitter. Criteria: ICSL Variant Classification Criteria 13 December 2019. Collection method: clinical testing. Allele origin: germline.
Comment: This variant was observed in the ICSL laboratory as part of a predisposition screen in an ostensibly healthy population. It had not been previously curated by ICSL or reported in the Human Gene Mutation Database (HGMD: prior to June 1st, 2018), and was therefore a candidate for classification through an automated scoring system. Utilizing variant allele frequency, disease prevalence and penetrance estimates, and inheritance mode, an automated score was calculated to assess if this variant is too frequent to cause the disease. Based on the score and internal cut-off values, a variant classified as likely benign is not then subjected to further curation. The score for this variant resulted in a classification of likely benign for this disease.

Genetic Services Laboratory, University of Chicago
Classification: Likely benign. Last evaluated: 2016-05-05. Review status: criteria provided, single submitter. Criteria: ACMG Guidelines, 2015. Collection method: clinical testing. Allele origin: germline. Affected: no.

PreventionGenetics, part of Exact Sciences
Classification: Likely benign for CTC1-related condition. Last evaluated: 2021-07-14. Review status: no assertion criteria provided. Collection method: clinical testing. Allele origin: germline. Not counted in ClinVar's aggregate classification.
Comment: This variant is classified as likely benign based on ACMG/AMP sequence variant interpretation guidelines (Richards et al. 2015 PMID: 25741868, with internal and published modifications).

Dr. Peter K. Rogan Lab, Western University
No classification provided (evidence only). Condition: Acute myeloid leukemia. Review status: no classification provided. Collection method: in vitro. Allele origin: not applicable. Functional consequence: retained intron. Not counted in ClinVar's aggregate classification.

Dr. Peter K. Rogan Lab, Western University
No classification provided (evidence only). Condition: Gastric cancer. Review status: no classification provided. Collection method: in vitro. Allele origin: not applicable. Functional consequence: retained intron. Not counted in ClinVar's aggregate classification.

Dr. Peter K. Rogan Lab, Western University
No classification provided (evidence only). Condition: Malignant tumor of esophagus. Review status: no classification provided. Collection method: in vitro. Allele origin: not applicable. Functional consequence: retained intron. Not counted in ClinVar's aggregate classification.

NM_025099.6(CTC1):c.1728G>A (p.Pro576=)

Gene: CTC1 (CST telomere replication complex component 1; minus strand). Cytogenetic location: 17p13.1.
Variant type: single nucleotide variant.
Coding change: c.1728G>A on transcript NM_025099.6 (MANE Select); coding-DNA position 1728, G replaced by A.
Protein change: p.Pro576=; no amino-acid change (proline 576 retained).
Molecular consequence: synonymous variant. On other transcripts: non-coding transcript variant (1).
Genome position (GRCh38, 1-based): chr17:8,234,545, C>T on the plus strand (G>A on the coding strand, the complement: CTC1 is on the minus strand). VCF-style: chr17-8234545-C-T. GRCh37 (hg19) VCF-style: chr17-8137863-C-T.
Other names: p.Pro576=.
Identifiers: ClinVar variation 326079 (VCV000326079.49), dbSNP rs78320653, ClinGen allele CA8372269.
Genomic context (GRCh38, chr17:8,234,545, plus strand): 5'-ACAGAGCCAGGACCAAGCCAGGCGGCGATTGAGTTGGCAGCTGGGCAGGTAGGAGGCCTC[C>T]GGGAGGGGCAGAAGGGCCTTAGGGTCAAAGGAGGCCCAGGCCTTACGCTGTCCTTCTTCT-3'
Protein context (NP_079375.3, residues 566-586): SFDPKALLPL[Pro576=]EASYLPSCQL